The following is an entry in ClinVar:

ClinVar aggregate classification (germline): Uncertain significance (1 of 4 stars; one submission).

Conditions:
APPL1-related disorder. Also called: APPL1-related condition.

gnomAD v4.1: 16 of 1,614,032 alleles (0.00099%); highest among the groups gnomAD compares: African/African-American, 0.016%; no homozygotes.

Submission:

PreventionGenetics, part of Exact Sciences
Classification: Uncertain significance for APPL1-related condition. Last evaluated: 2024-10-07. Review status: criteria provided, single submitter. Criteria: ACMG Guidelines, 2015. Collection method: clinical testing. Allele origin: germline.
Comment: The APPL1 c.1224C>G variant is predicted to result in the amino acid substitution p.His408Gln. To our knowledge, this variant has not been reported in the literature. This variant is reported in 0.012% of alleles in individuals of African descent in gnomAD. At this time, the clinical significance of this variant is uncertain due to the absence of conclusive functional and genetic evidence.

NM_012096.3(APPL1):c.1224C>G (p.His408Gln)

Gene: APPL1 (adaptor protein, phosphotyrosine interacting with PH domain and leucine zipper 1; plus strand). Cytogenetic location: 3p14.3.
Variant type: single nucleotide variant.
Coding change: c.1224C>G on transcript NM_012096.3 (MANE Select); coding-DNA position 1224, C replaced by G.
Protein change: p.His408Gln; replaces histidine 408 with glutamine.
Molecular consequence: missense variant.
Genome position (GRCh38, 1-based): chr3:57,257,028, C>G. VCF-style: chr3-57257028-C-G. GRCh37 (hg19) VCF-style: chr3-57291056-C-G.
Other names: short protein forms H408Q.
Identifiers: ClinVar variation 4981775 (VCV004981775.1).